The following is an entry in ClinVar:

NM_001244008.2(KIF1A):c.788C>A (p.Thr263Lys)

Gene: KIF1A (kinesin family member 1A; minus strand). Cytogenetic location: 2q37.3.
Variant type: single nucleotide variant.
Coding change: c.788C>A on transcript NM_001244008.2 (MANE Select); coding-DNA position 788, C replaced by A.
Protein change: p.Thr263Lys; replaces threonine 263 with lysine.
Molecular consequence: missense variant.
Genome position (GRCh38, 1-based): chr2:240,783,749, G>T on the plus strand (C>A on the coding strand, the complement: KIF1A is on the minus strand). VCF-style: chr2-240783749-G-T. GRCh37 (hg19) VCF-style: chr2-241723166-G-T.
Other names: c.788C>A, p.Thr263Lys (NM_001320705.2, NM_001330289.2, NM_001330290.2 and 21 more transcripts); short protein forms T263K.
Identifiers: ClinVar variation 2942325 (VCV002942325.3), dbSNP rs868837727, ClinGen allele CA351302903.

ClinVar aggregate classification (germline): Uncertain significance (1 of 4 stars; one submission).

Conditions:
Neuropathy, hereditary sensory, type 2C. Also called: KIF1A-Related HSAN2 (HSAN2C); Hereditary sensory and autonomic neuropathy type IIC. Identifiers: Orphanet 970, MedGen C3280168, MONDO:0013634, OMIM 614213.
Hereditary spastic paraplegia 30. Identifiers: Orphanet 101010, MedGen C5235139, MONDO:0012476.
Intellectual disability, autosomal dominant 9 (NESCAVS). Also called: NESCAV SYNDROME; KIF1A-Related Neurodevelopmental Disorder. Identifiers: Orphanet 662367, MedGen C5393830, MONDO:0013656, OMIM 614255.

Submission:

Labcorp Genetics (formerly Invitae), Labcorp
Classification: Uncertain significance for Hereditary spastic paraplegia 30; Neuropathy, hereditary sensory, type 2C; Intellectual disability, autosomal dominant 9. Last evaluated: 2022-12-15. Review status: criteria provided, single submitter. Criteria: Invitae Variant Classification Sherloc (09022015). Collection method: clinical testing. Allele origin: germline.
Comment: In summary, the available evidence is currently insufficient to determine the role of this variant in disease. Therefore, it has been classified as a Variant of Uncertain Significance. Advanced modeling of protein sequence and biophysical properties (such as structural, functional, and spatial information, amino acid conservation, physicochemical variation, residue mobility, and thermodynamic stability) performed at Invitae indicates that this missense variant is expected to disrupt KIF1A protein function. This variant has not been reported in the literature in individuals affected with KIF1A-related conditions. This variant is not present in population databases (gnomAD no frequency). This sequence change replaces threonine, which is neutral and polar, with lysine, which is basic and polar, at codon 263 of the KIF1A protein (p.Thr263Lys).